The following is an entry in ClinVar:

NM_152709.5(STOX1):c.2945C>T (p.Pro982Leu)

Gene: STOX1 (storkhead box 1; plus strand). Cytogenetic location: 10q22.1.
Variant type: single nucleotide variant.
Coding change: c.2945C>T on transcript NM_152709.5 (MANE Select); coding-DNA position 2945, C replaced by T.
Protein change: p.Pro982Leu; replaces proline 982 with leucine.
Molecular consequence: missense variant. On other transcripts: 3 prime UTR variant (2).
Genome position (GRCh38, 1-based): chr10:68,892,711, C>T. VCF-style: chr10-68892711-C-T. GRCh37 (hg19) VCF-style: chr10-70652467-C-T.
Other names: c.*102C>T (NM_001130159.3); c.*76C>T (NM_001130160.3); c.2945C>T, p.Pro982Leu (NM_001130161.4); short protein forms P982L.
Identifiers: ClinVar variation 2355662 (VCV002355662.4), dbSNP rs139412198, ClinGen allele CA5528465.

ClinVar aggregate classification (germline): Uncertain significance. Review status: criteria provided, single submitter (1 of 4 stars). 2 submissions from 2 submitters: Uncertain significance (1). 1 of the submissions does not count toward it. Last evaluated 2021-06-11.

Conditions:
STOX1-related disorder. Also called: STOX1-related condition.

Allele frequency attached by ClinVar (database versions not stated): TOPMed 0.00027; gnomAD 0.00029; gnomAD exomes 0.00036; 1000 Genomes Project 30x 0.00047; ESP Exome Variant Server 0.00057; 1000 Genomes Project 0.00060; ExAC 0.00064.
gnomAD v4.1: 581 of 1,613,880 alleles (0.036%); highest among the groups gnomAD compares: Middle Eastern, 0.33%; 7 homozygotes.

Submissions (2):

Ambry Genetics
Classification: Uncertain significance. Last evaluated: 2021-06-11. Review status: criteria provided, single submitter. Criteria: Ambry Variant Classification Scheme 2023. Collection method: clinical testing. Allele origin: germline.

PreventionGenetics, part of Exact Sciences
Classification: Benign for STOX1-related condition. Last evaluated: 2019-12-06. Review status: no assertion criteria provided. Collection method: clinical testing. Allele origin: germline. Not counted in ClinVar's aggregate classification.
Comment: This variant is classified as benign based on ACMG/AMP sequence variant interpretation guidelines (Richards et al. 2015 PMID: 25741868, with internal and published modifications).